The following is an entry in ClinVar:

NM_015978.3(TNNI3K):c.21A>C (p.Arg7Ser)

Genes: TNNI3K (TNNI3 interacting kinase; plus strand), FPGT-TNNI3K (FPGT-TNNI3K readthrough; plus strand). Cytogenetic location: 1p31.1.
Variant type: single nucleotide variant.
Coding change: c.21A>C on transcript NM_015978.3 (MANE Select); coding-DNA position 21, A replaced by C.
Protein change: p.Arg7Ser; replaces arginine 7 with serine.
Molecular consequence: missense variant. On other transcripts: intron variant (2).
Genome position (GRCh38, 1-based): chr1:74,235,472, A>C. VCF-style: chr1-74235472-A-C. GRCh37 (hg19) VCF-style: chr1-74701156-A-C.
Other names: c.344-630A>C (NM_001112808.3, NM_001199327.2); short protein forms R7S.
Identifiers: ClinVar variation 4714923 (VCV004714923.1).

ClinVar aggregate classification (germline): Uncertain significance (1 of 4 stars; one submission).

gnomAD v4.1: 1 of 1,510,272 alleles (0.000066%); highest among the groups gnomAD compares: African/African-American, 0.0014%; no homozygotes.

Submission:

Labcorp Genetics (formerly Invitae), Labcorp
Classification: Uncertain significance. Last evaluated: 2025-03-12. Review status: criteria provided, single submitter. Criteria: Invitae Variant Classification Sherloc (09022015). Collection method: clinical testing. Allele origin: germline.
Comment: This sequence change replaces arginine, which is basic and polar, with serine, which is neutral and polar, at codon 7 of the TNNI3K protein (p.Arg7Ser). This variant is not present in population databases (gnomAD no frequency). This variant has not been reported in the literature in individuals affected with TNNI3K-related conditions. An algorithm developed to predict the effect of missense changes on protein structure and function (PolyPhen-2) suggests that this variant is likely to be disruptive. In summary, the available evidence is currently insufficient to determine the role of this variant in disease. Therefore, it has been classified as a Variant of Uncertain Significance.